The following is an entry in ClinVar:

NM_006767.4(LZTR1):c.635T>G (p.Leu212Arg)

Gene: LZTR1 (leucine zipper like post translational regulator 1; plus strand). Cytogenetic location: 22q11.21.
Variant type: single nucleotide variant.
Coding change: c.635T>G on transcript NM_006767.4 (MANE Select); coding-DNA position 635, T replaced by G.
Protein change: p.Leu212Arg; replaces leucine 212 with arginine.
Molecular consequence: missense variant.
Genome position (GRCh38, 1-based): chr22:20,989,666, T>G. VCF-style: chr22-20989666-T-G. GRCh37 (hg19) VCF-style: chr22-21343955-T-G.
Other names: short protein forms L212R.
Identifiers: ClinVar variation 1408382 (VCV001408382.14), dbSNP rs138301732, ClinGen allele CA10118529.
Genomic context (GRCh38, chr22:20,989,666, plus strand): 5'-CTGGTCTGTCCTAATACAGGTTGAATGACATGTGGACAATTGGCCTCCAGGACCGAGAGC[T>G]CACCTGCTGGGAGGAGGTGAGGGGCGTGGGGAGCCAGGGCGCAGGTAGAGGAGGTGAGGG-3'
Protein context (NP_006758.2, residues 202-222): MWTIGLQDRE[Leu212Arg]TCWEEVAQSG

ClinVar aggregate classification (germline): Uncertain significance. Review status: criteria provided, multiple submitters, no conflicts (2 of 4 stars). 7 submissions from 7 submitters: Uncertain significance (7). Last evaluated 2026-08-06.

Conditions:
LZTR1-related schwannomatosis. Also called: Schwannomatosis-2, susceptibility to; Schwannomatosis 2. Identifiers: Orphanet 93921, MedGen C3810283, MONDO:0014299, OMIM 615670.
Hereditary cancer-predisposing syndrome. Also called: Tumor predisposition; Neoplastic Syndromes, Hereditary; Hereditary Cancer Syndrome; Hereditary neoplastic syndrome. Identifiers: Orphanet 140162, MedGen C0027672, MeSH D009386, MONDO:0015356.
Cardiovascular phenotype. Identifiers: MedGen CN230736.
Noonan syndrome 2 (NS2). Identifiers: Orphanet 648, MedGen C1854469, MONDO:0011531, OMIM 605275.
Noonan syndrome 10 (NS10). Identifiers: Orphanet 648, MedGen C4225280, MONDO:0014693, OMIM 616564.
Monogenic short statue.
LZTR1-related disorder. Also called: LZTR1-related disorders; LZTR1-related condition.

Allele frequency attached by ClinVar (database versions not stated): ExAC 0.00002; gnomAD 0.00002; TOPMed 0.00003; gnomAD exomes 0.00004 and 0.00007; ESP Exome Variant Server 0.00015.
gnomAD v4.1: 110 of 1,611,760 alleles (0.0068%); highest among the groups gnomAD compares: Non-Finnish European, 0.0086%; no homozygotes.

Submissions (7):

NHS Central & South Genomic Laboratory Hub
Classification: Uncertain significance for Monogenic short statue. Last evaluated: 2026-08-06. Review status: criteria provided, single submitter. Criteria: ACMG Guidelines, 2015. Collection method: clinical testing. Allele origin: germline. Affected: yes.

Labcorp Genetics (formerly Invitae), Labcorp
Classification: Uncertain significance. Last evaluated: 2026-01-25. Review status: criteria provided, single submitter. Criteria: Invitae Variant Classification Sherloc (09022015). Collection method: clinical testing. Allele origin: germline.
Comment: This sequence change replaces leucine, which is neutral and non-polar, with arginine, which is basic and polar, at codon 212 of the LZTR1 protein (p.Leu212Arg). This variant is present in population databases (rs138301732, gnomAD 0.004%). This variant has not been reported in the literature in individuals affected with LZTR1-related conditions. ClinVar contains an entry for this variant (Variation ID: 1408382). Invitae Evidence Modeling of protein sequence and biophysical properties (such as structural, functional, and spatial information, amino acid conservation, physicochemical variation, residue mobility, and thermodynamic stability) indicates that this missense variant is not expected to disrupt LZTR1 protein function with a negative predictive value of 80%. In summary, the available evidence is currently insufficient to determine the role of this variant in disease. Therefore, it has been classified as a Variant of Uncertain Significance.

Clinical Genomics Laboratory, Washington University in St. Louis
Classification: Uncertain significance for LZTR1-related schwannomatosis; Noonan syndrome 10; Noonan syndrome 2. Last evaluated: 2025-08-15. Review status: criteria provided, single submitter. Criteria: ACMG Guidelines, 2015. Collection method: clinical testing. Allele origin: germline.
Comment: An LZTR1 c.635T>G (p.Leu212Arg) variant was identified at a near heterozygous allelic fraction of 46.0%, a frequency which may be consistent with it being of germline origin. This variant, to our knowledge, has not been reported in the medical literature. It has been reported in the ClinVar database as a germline variant of uncertain significance by four submitters (ClinVar Variation ID: 1408382). This variant is observed in 110/1,611,760 alleles in the general population (gnomAD v4.1.0). Computational predictors suggest that the variant does not impact LZTR1 function. Due to limited information, and based on ACMG/AMP guidelines for variant interpretation (Richards S et al., PMID: 25741868), the clinical significance of this variant is uncertain at this time.

Ambry Genetics
Classification: Uncertain significance for Cardiovascular phenotype; Hereditary cancer-predisposing syndrome. Last evaluated: 2025-02-11. Review status: criteria provided, single submitter. Criteria: Ambry Variant Classification Scheme 2023. Collection method: clinical testing. Allele origin: germline.
Comment: The p.L212R variant (also known as c.635T>G), located in coding exon 7 of the LZTR1 gene, results from a T to G substitution at nucleotide position 635. The leucine at codon 212 is replaced by arginine, an amino acid with dissimilar properties. This amino acid position is not well conserved in available vertebrate species. In addition, the in silico prediction for this alteration is inconclusive. Based on the available evidence, the clinical significance of this variant remains unclear.

PreventionGenetics, part of Exact Sciences
Classification: Uncertain significance for LZTR1-related condition. Last evaluated: 2024-12-23. Review status: criteria provided, single submitter. Criteria: ACMG Guidelines, 2015. Collection method: clinical testing. Allele origin: germline.
Comment: The LZTR1 c.635T>G variant is predicted to result in the amino acid substitution p.Leu212Arg. To our knowledge, this variant has not been reported in the literature. This variant is reported in 0.0071% of alleles in individuals of European (Non-Finnish) descent in gnomAD. At this time, the clinical significance of this variant is uncertain due to the absence of conclusive functional and genetic evidence.

GeneDx
Classification: Uncertain significance. Last evaluated: 2024-09-24. Review status: criteria provided, single submitter. Criteria: GeneDx Variant Classification Process June 2021. Collection method: clinical testing. Allele origin: germline. Affected: yes.
Comment: In silico analysis indicates that this missense variant does not alter protein structure/function; Has not been previously published as pathogenic or benign to our knowledge

Baylor Genetics
Classification: Uncertain significance for LZTR1-related schwannomatosis. Last evaluated: 2024-02-07. Review status: criteria provided, single submitter. Criteria: ACMG Guidelines, 2015. Collection method: clinical testing. Allele origin: unknown.